The following is an entry in ClinVar:

ClinVar aggregate classification (germline): Uncertain significance (1 of 4 stars; one submission).

Allele frequency attached by ClinVar (database versions not stated): gnomAD exomes below 0.00001.
gnomAD v4.1: 4 of 1,613,492 alleles (0.00025%); highest among the groups gnomAD compares: Admixed American, 0.0033%; no homozygotes.

Submission:

Labcorp Genetics (formerly Invitae), Labcorp
Classification: Uncertain significance. Last evaluated: 2022-07-14. Review status: criteria provided, single submitter. Criteria: Invitae Variant Classification Sherloc (09022015). Collection method: clinical testing. Allele origin: germline.
Comment: This sequence change replaces isoleucine, which is neutral and non-polar, with valine, which is neutral and non-polar, at codon 102 of the NDUFS1 protein (p.Ile102Val). This variant is present in population databases (no rsID available, gnomAD 0.006%). This variant has not been reported in the literature in individuals affected with NDUFS1-related conditions. Algorithms developed to predict the effect of missense changes on protein structure and function (SIFT, PolyPhen-2, Align-GVGD) all suggest that this variant is likely to be tolerated. In summary, the available evidence is currently insufficient to determine the role of this variant in disease. Therefore, it has been classified as a Variant of Uncertain Significance.

NM_005006.7(NDUFS1):c.304A>G (p.Ile102Val)

Gene: NDUFS1 (NADH:ubiquinone oxidoreductase core subunit S1; minus strand). Cytogenetic location: 2q33.3.
Variant type: single nucleotide variant.
Coding change: c.304A>G on transcript NM_005006.7 (MANE Select); coding-DNA position 304, A replaced by G.
Protein change: p.Ile102Val; replaces isoleucine 102 with valine.
Molecular consequence: missense variant. On other transcripts: intron variant (1).
Genome position (GRCh38, 1-based): chr2:206,149,054, T>C on the plus strand (A>G on the coding strand, the complement: NDUFS1 is on the minus strand). VCF-style: chr2-206149054-T-C. GRCh37 (hg19) VCF-style: chr2-207013778-T-C.
Other names: c.196A>G, p.Ile66Val (NM_001199981.2); c.133A>G, p.Ile45Val (NM_001199983.2); c.346A>G, p.Ile116Val (NM_001199984.2); c.6-1220A>G (NM_001199982.2); short protein forms I66V, I102V, I116V, I45V.
Identifiers: ClinVar variation 2012669 (VCV002012669.4), dbSNP rs1421421761, ClinGen allele CA350063515.